The following is an entry in ClinVar:

ClinVar aggregate classification (germline): Pathogenic. Review status: criteria provided, single submitter (1 of 4 stars). 2 submissions from 2 submitters: Pathogenic (1). 1 of the submissions does not count toward it. Last evaluated 2023-12-02.

Conditions:
RYR1-related disorder. Also called: RYR1-related condition; RYR1-related disorders. Identifiers: MedGen CN239331.
Central core myopathy (CMYO1A). Also called: CONGENITAL MYOPATHY 1A, AUTOSOMAL DOMINANT, WITH SUSCEPTIBILITY TO MALIGNANT HYPERTHERMIA; Central core disease; Myopathy, central fibrillar. Identifiers: Orphanet 597, MedGen C5830701, MONDO:0007294, OMIM 117000.

Submissions (2):

Labcorp Genetics (formerly Invitae), Labcorp
Classification: Pathogenic for RYR1-related disorder. Last evaluated: 2023-12-02. Review status: criteria provided, single submitter. Criteria: Invitae Variant Classification Sherloc (09022015). Collection method: clinical testing. Allele origin: germline.
Comment: This sequence change creates a premature translational stop signal (p.Ser3116Argfs*7) in the RYR1 gene. It is expected to result in an absent or disrupted protein product. Loss-of-function variants in RYR1 are known to be pathogenic (PMID: 23919265, 25960145, 28818389, 30611313). This variant is not present in population databases (gnomAD no frequency). This variant has not been reported in the literature in individuals affected with RYR1-related conditions. ClinVar contains an entry for this variant (Variation ID: 1702862). Algorithms developed to predict the effect of sequence changes on RNA splicing suggest that this variant may create or strengthen a splice site. For these reasons, this variant has been classified as Pathogenic.

Institute of Human Genetics, University of Goettingen
Classification: Likely pathogenic for Central core myopathy. Last evaluated: 2022-08-24. Review status: no assertion criteria provided. Collection method: clinical testing. Allele origin: unknown. Inheritance: Sporadic. Affected: yes. Not counted in ClinVar's aggregate classification.

Literature cited by the submitters: PubMed 23919265 (cited by Labcorp Genetics (formerly Invitae), Labcorp); PubMed 25960145 (cited by Labcorp Genetics (formerly Invitae), Labcorp); PubMed 28818389 (cited by Labcorp Genetics (formerly Invitae), Labcorp); PubMed 30611313 (cited by Labcorp Genetics (formerly Invitae), Labcorp).

NM_000540.3(RYR1):c.9345del (p.Ser3116fs)

Gene: RYR1 (ryanodine receptor 1; plus strand). Cytogenetic location: 19q13.2.
Variant type: Deletion.
Coding change: c.9345del on transcript NM_000540.3 (MANE Select); coding-DNA position 9345, one base deleted (G; older notation c.9345delG).
Protein change: p.Ser3116fs; shifts the reading frame from serine 3116.
Molecular consequence: frameshift variant.
Genome position (GRCh38, 1-based): chr19:38,512,356, G deleted. VCF-style (leftmost placement, unchanged base first): chr19-38512355-TG-T. GRCh37 (hg19) VCF-style: chr19-39002995-TG-T.
Other names: c.9345del, p.Ser3116fs (NM_001042723.2); short protein forms S3116fs.
Identifiers: ClinVar variation 1702862 (VCV001702862.5), dbSNP rs2145663047, ClinGen allele CA2576771491.
Genomic context (GRCh38, chr19:38,512,355, plus strand): 5'-TCTTCGAGAGTGCCTCGGAGGACATCGAGAAGATGGTGGAGAACCTGCGGCTGGGCAAGG[TG>T]TCGCAGGCGCGCACCCAGGTGAAAGGCGTGGGCCAGAACCTCACCTACACCACTGTGGCA-3'